The following is an entry in ClinVar:

ClinVar aggregate classification (germline): Pathogenic (1 of 4 stars; one submission).

Conditions:
Nephronophthisis. Also called: Juvenile Nephronophthisis. Identifiers: Orphanet 655, MedGen C0687120, MONDO:0019005, HP:0000090.

Allele frequency attached by ClinVar (database versions not stated): TOPMed below 0.00001; gnomAD exomes 0.00001.
gnomAD v4.1: 11 of 1,573,570 alleles (0.0007%); highest among the groups gnomAD compares: Non-Finnish European, 0.00086%; no homozygotes.

Submission:

Labcorp Genetics (formerly Invitae), Labcorp
Classification: Pathogenic for Nephronophthisis. Last evaluated: 2023-06-30. Review status: criteria provided, single submitter. Criteria: Invitae Variant Classification Sherloc (09022015). Collection method: clinical testing. Allele origin: germline.
Comment: This sequence change creates a premature translational stop signal (p.Gln1066*) in the NPHP4 gene. It is expected to result in an absent or disrupted protein product. Loss-of-function variants in NPHP4 are known to be pathogenic (PMID: 12205563, 23559409). This variant is not present in population databases (gnomAD no frequency). This premature translational stop signal has been observed in individual(s) with clinical features of NPHP4-related conditions (PMID: 23559409, 34850017). ClinVar contains an entry for this variant (Variation ID: 2202941). Algorithms developed to predict the effect of sequence changes on RNA splicing suggest that this variant may disrupt the consensus splice site. For these reasons, this variant has been classified as Pathogenic.

Literature cited by the submitters: PubMed 12205563; PubMed 23559409; PubMed 34850017.

NM_015102.5(NPHP4):c.3196C>T (p.Gln1066Ter)

Gene: NPHP4 (nephrocystin 4; minus strand). Cytogenetic location: 1p36.31.
Variant type: single nucleotide variant.
Coding change: c.3196C>T on transcript NM_015102.5 (MANE Select); coding-DNA position 3196, C replaced by T.
Protein change: p.Gln1066Ter; replaces glutamine 1066 with a stop codon.
Molecular consequence: nonsense. On other transcripts: non-coding transcript variant (1).
Genome position (GRCh38, 1-based): chr1:5,874,506, G>A on the plus strand (C>T on the coding strand, the complement: NPHP4 is on the minus strand). VCF-style: chr1-5874506-G-A. GRCh37 (hg19) VCF-style: chr1-5934566-G-A.
Other names: c.1657C>T, p.Gln553Ter (NM_001291593.2); c.1660C>T, p.Gln554Ter (NM_001291594.2); short protein forms Q1066*, Q554*, Q553*.
Identifiers: ClinVar variation 2202941 (VCV002202941.4), dbSNP rs1384212298, ClinGen allele CA338055532.